The following is an entry in ClinVar:

NM_013266.4(CTNNA3):c.1422G>A (p.Ala474=)

Gene: CTNNA3 (catenin alpha 3; minus strand). Cytogenetic location: 10q21.3.
Variant type: single nucleotide variant.
Coding change: c.1422G>A on transcript NM_013266.4 (MANE Select); coding-DNA position 1422, G replaced by A.
Protein change: p.Ala474=; no amino-acid change (alanine 474 retained).
Molecular consequence: synonymous variant.
Genome position (GRCh38, 1-based): chr10:66,520,726, C>T on the plus strand (G>A on the coding strand, the complement: CTNNA3 is on the minus strand). VCF-style: chr10-66520726-C-T. GRCh37 (hg19) VCF-style: chr10-68280484-C-T.
Other names: c.1422G>A (NM_013266.2, NM_013266.3); c.1422G>A, p.Ala474= (NM_001127384.3).
Identifiers: ClinVar variation 1535514 (VCV001535514.10), dbSNP rs372258059, ClinGen allele CA5519958.
Genomic context (GRCh38, chr10:66,520,726, plus strand): 5'-AGTGAGGACATGTATATGATTCTCCCATGTACGCTTGTACATTTCCATGGTGTTTTTGAC[C>T]GCTTGACTTTTGGGTCTTGCAGCCAAAGCAAGTGCAGCATTAATAATCTATAAAGATAAG-3'
Protein context (NP_037398.2, residues 464-484): LALAARPKSQ[Ala474=]VKNTMEMYKR

ClinVar aggregate classification (germline): Benign/Likely benign. Review status: criteria provided, multiple submitters, no conflicts (2 of 4 stars). 3 submissions from 3 submitters: Benign (1); Likely benign (1). 1 of the submissions does not count toward it. Last evaluated 2025-11-20.

Conditions:
Arrhythmogenic right ventricular dysplasia 13. Also called: ARRHYTHMOGENIC RIGHT VENTRICULAR CARDIOMYOPATHY 13; Arrhythmogenic right ventricular dysplasia, familial, 13. Identifiers: MedGen C3810138, MONDO:0000908, OMIM 615616.
CTNNA3-related disorder. Also called: CTNNA3-related condition.

Allele frequency attached by ClinVar (database versions not stated): ESP Exome Variant Server 0.00008; ExAC 0.00018; gnomAD exomes 0.00022.
gnomAD v4.1: 79 of 1,612,490 alleles (0.0049%); highest among the groups gnomAD compares: Admixed American, 0.085%; no homozygotes.

Submissions (3):

Labcorp Genetics (formerly Invitae), Labcorp
Classification: Benign for Arrhythmogenic right ventricular dysplasia 13. Last evaluated: 2025-11-20. Review status: criteria provided, single submitter. Criteria: Invitae Variant Classification Sherloc (09022015). Collection method: clinical testing. Allele origin: germline.

Ambry Genetics
Classification: Likely benign. Last evaluated: 2022-11-19. Review status: criteria provided, single submitter. Criteria: Ambry Variant Classification Scheme 2023. Collection method: clinical testing. Allele origin: germline.

PreventionGenetics, part of Exact Sciences
Classification: Likely benign for CTNNA3-related condition. Last evaluated: 2024-08-02. Review status: no assertion criteria provided. Collection method: clinical testing. Allele origin: germline. Not counted in ClinVar's aggregate classification.
Comment: This variant is classified as likely benign based on ACMG/AMP sequence variant interpretation guidelines (Richards et al. 2015 PMID: 25741868, with internal and published modifications).